The following is an entry in ClinVar:

NM_181523.3(PIK3R1):c.604G>A (p.Val202Ile)

Gene: PIK3R1 (phosphoinositide-3-kinase regulatory subunit 1; plus strand). Cytogenetic location: 5q13.1.
Variant type: single nucleotide variant.
Coding change: c.604G>A on transcript NM_181523.3 (MANE Select); coding-DNA position 604, G replaced by A.
Protein change: p.Val202Ile; replaces valine 202 with isoleucine.
Molecular consequence: missense variant.
Genome position (GRCh38, 1-based): chr5:68,279,703, G>A. VCF-style: chr5-68279703-G-A. GRCh37 (hg19) VCF-style: chr5-67575531-G-A.
Other names: short protein forms V202I.
Identifiers: ClinVar variation 1491282 (VCV001491282.9), dbSNP rs747881833, ClinGen allele CA3290083.

ClinVar aggregate classification (germline): Uncertain significance. Review status: criteria provided, multiple submitters, no conflicts (2 of 4 stars). 3 submissions from 3 submitters: Uncertain significance (2). 1 of the submissions does not count toward it. Last evaluated 2026-04-09.

Conditions:
Activated PI3K-delta syndrome. Identifiers: Orphanet 397596, MedGen C3714976, MONDO:0018338.
SHORT syndrome. Also called: LIPODYSTROPHY, PARTIAL, WITH RIEGER ANOMALY AND SHORT STATURE; PIK3R1-Related SHORT Syndrome; SHORT STATURE, HYPEREXTENSIBILITY, HERNIA, OCULAR DEPRESSION, RIEGER ANOMALY, AND TEETHING DELAY. Identifiers: Orphanet 3163, MedGen C0878684, MONDO:0010026, OMIM 269880.
Agammaglobulinemia 7, autosomal recessive (AGM7). Also called: AGAMMAGLOBULINEMIA, AUTOSOMAL RECESSIVE, DUE TO PIK3R1 DEFECT. Identifiers: MedGen C3554689, MONDO:0014083, OMIM 615214.
Immunodeficiency 36 with lymphoproliferation. Also called: ACTIVATED PI3K-DELTA SYNDROME 2; Activated PI3K Delta Syndrome Type 2 (APDS2); Immunodeficiency 36. Identifiers: Orphanet 397596, Orphanet 693681, MedGen C4014934, MONDO:0014453, OMIM 616005.

Allele frequency attached by ClinVar (database versions not stated): ExAC 0.00002; gnomAD exomes 0.00003; gnomAD 0.00004; TOPMed 0.00004.

Submissions (3):

Women's Health and Genetics/Laboratory Corporation of America, LabCorp
Classification: Uncertain significance. Last evaluated: 2026-04-09. Review status: criteria provided, single submitter. Criteria: LabCorp Variant Classification Summary - May 2015. Collection method: clinical testing. Allele origin: germline.
Comment: Variant summary: PIK3R1 c.604G>A (p.Val202Ile) results in a conservative amino acid change in the encoded protein sequence. Algorithms developed to predict the effect of missense changes on protein structure and function are either unavailable or do not agree on the potential impact of this missense change. The variant allele was found at a frequency of 3.2e-05 in 251282 control chromosomes. The available data on variant occurrences in the general population are insufficient to allow any conclusion about variant significance. To our knowledge, no occurrence of c.604G>A in individuals affected with PIK3R1-related conditions and no experimental evidence demonstrating its impact on protein function have been reported. ClinVar contains an entry for this variant (Variation ID: 1491282). Based on the evidence outlined above, the variant was classified as uncertain significance.

Labcorp Genetics (formerly Invitae), Labcorp
Classification: Uncertain significance for SHORT syndrome; Immunodeficiency 36 with lymphoproliferation; Agammaglobulinemia 7, autosomal recessive. Last evaluated: 2025-12-03. Review status: criteria provided, single submitter. Criteria: Invitae Variant Classification Sherloc (09022015). Collection method: clinical testing. Allele origin: germline.
Comment: This sequence change replaces valine, which is neutral and non-polar, with isoleucine, which is neutral and non-polar, at codon 202 of the PIK3R1 protein (p.Val202Ile). This variant is present in population databases (rs747881833, gnomAD 0.02%). This variant has not been reported in the literature in individuals affected with PIK3R1-related conditions. ClinVar contains an entry for this variant (Variation ID: 1491282). An algorithm developed to predict the effect of missense changes on protein structure and function outputs the following: PolyPhen-2: "Benign". The isoleucine amino acid residue is found in multiple mammalian species, which suggests that this missense change does not adversely affect protein function. In summary, the available evidence is currently insufficient to determine the role of this variant in disease. Therefore, it has been classified as a Variant of Uncertain Significance.

Rarefied Biosciences Lab
Classification: Likely pathogenic for Activated PI3K-delta syndrome. Review status: no assertion criteria provided. Collection method: research. Allele origin: germline, not applicable. Affected: yes. Functional consequence: gain_of_function_variant. Not counted in ClinVar's aggregate classification.
Comment: The PIK3R1 c.604G>A (p.Val202Ile) variant results in a missense substitution of valine to isoleucine at codon 202. Although this position is not located within a known functional domain and is only weakly conserved (phyloP100 score: 1.165), multiple lines of functional evidence suggest a deleterious impact. The variant is rare in the general population, with a gnomAD exome allele frequency of 0.0000253. Immunophenotyping revealed a marginally elevated proportion of T follicular helper (TFH) cells at 18.3% and a notably increased proportion of transitional B cells at 25.2%, both of which deviate from control values and indicate immune dysregulation. Importantly, mTOR signaling was found to be abnormally activated, supporting a gain-of-function effect consistent with PI3K pathway hyperactivation. This is best classified as Likely Pathogenic.

Literature cited by the submitters: PubMed 31031754 (cited by Rarefied Biosciences Lab).